The following is an entry in ClinVar:

ClinVar aggregate classification (germline): Uncertain significance (1 of 4 stars; one submission).

Conditions:
Brugada syndrome. Also called: Sudden unexpected nocturnal death syndrome; Sudden Unexplained Death Syndrome; Sudden Unexplained Nocturnal Death Syndrome (SUNDS); Sudden unexplained nocturnal death syndrome. Identifiers: Orphanet 130, MedGen C1142166, MONDO:0015263.

gnomAD v4.1: 1 of 1,614,044 alleles (0.000062%); no homozygotes.

Submission:

Labcorp Genetics (formerly Invitae), Labcorp
Classification: Uncertain significance for Brugada syndrome. Last evaluated: 2025-11-09. Review status: criteria provided, single submitter. Criteria: Invitae Variant Classification Sherloc (09022015). Collection method: clinical testing. Allele origin: germline.
Comment: This sequence change replaces asparagine, which is neutral and polar, with serine, which is neutral and polar, at codon 1301 of the SCN10A protein (p.Asn1301Ser). This variant is not present in population databases (gnomAD no frequency). This variant has not been reported in the literature in individuals affected with SCN10A-related conditions. Invitae Evidence Modeling of protein sequence and biophysical properties (such as structural, functional, and spatial information, amino acid conservation, physicochemical variation, residue mobility, and thermodynamic stability) indicates that this missense variant is not expected to disrupt SCN10A protein function with a negative predictive value of 80%. In summary, the available evidence is currently insufficient to determine the role of this variant in disease. Therefore, it has been classified as a Variant of Uncertain Significance.

NM_006514.4(SCN10A):c.3902A>G (p.Asn1301Ser)

Gene: SCN10A (sodium voltage-gated channel alpha subunit 10; minus strand). Cytogenetic location: 3p22.2.
Variant type: single nucleotide variant.
Coding change: c.3902A>G on transcript NM_006514.4 (MANE Select); coding-DNA position 3902, A replaced by G.
Protein change: p.Asn1301Ser; replaces asparagine 1301 with serine.
Molecular consequence: missense variant.
Genome position (GRCh38, 1-based): chr3:38,712,348, T>C on the plus strand (A>G on the coding strand, the complement: SCN10A is on the minus strand). VCF-style: chr3-38712348-T-C. GRCh37 (hg19) VCF-style: chr3-38753839-T-C.
Other names: c.3899A>G, p.Asn1300Ser (NM_001293306.2); c.3608A>G, p.Asn1203Ser (NM_001293307.2); short protein forms N1300S, N1301S, N1203S.
Identifiers: ClinVar variation 4743341 (VCV004743341.1).